The following is an entry in ClinVar:

ClinVar aggregate classification (germline): Uncertain significance (1 of 4 stars; one submission).

Conditions:
Fanconi anemia (FA). Also called: Fanconi's anemia. Identifiers: Orphanet 84, MedGen C0015625, MeSH D005199, MONDO:0019391.

Submission:

Labcorp Genetics (formerly Invitae), Labcorp
Classification: Uncertain significance for Fanconi anemia. Last evaluated: 2023-08-11. Review status: criteria provided, single submitter. Criteria: Invitae Variant Classification Sherloc (09022015). Collection method: clinical testing. Allele origin: germline.
Comment: Algorithms developed to predict the effect of sequence changes on RNA splicing suggest that this variant may create or strengthen a splice site. An algorithm developed to predict the effect of missense changes on protein structure and function (PolyPhen-2) suggests that this variant is likely to be disruptive. This variant has not been reported in the literature in individuals affected with FANCL-related conditions. This variant is not present in population databases (gnomAD no frequency). This sequence change replaces glycine, which is neutral and non-polar, with valine, which is neutral and non-polar, at codon 27 of the FANCL protein (p.Gly27Val). In summary, the available evidence is currently insufficient to determine the role of this variant in disease. Therefore, it has been classified as a Variant of Uncertain Significance.

NM_018062.4(FANCL):c.80G>T (p.Gly27Val)

Gene: FANCL (FA complementation group L; minus strand). Cytogenetic location: 2p16.1.
Variant type: single nucleotide variant.
Coding change: c.80G>T on transcript NM_018062.4 (MANE Select); coding-DNA position 80, G replaced by T.
Protein change: p.Gly27Val; replaces glycine 27 with valine.
Molecular consequence: missense variant.
Genome position (GRCh38, 1-based): chr2:58,241,234, C>A on the plus strand (G>T on the coding strand, the complement: FANCL is on the minus strand). VCF-style: chr2-58241234-C-A. GRCh37 (hg19) VCF-style: chr2-58468369-C-A.
Other names: c.80G>T, p.Gly27Val (NM_001114636.2, NM_001374615.1, NM_001410792.1); short protein forms G27V.
Identifiers: ClinVar variation 2751825 (VCV002751825.3), dbSNP rs2467655011, ClinGen allele CA347035071.
Genomic context (GRCh38, chr2:58,241,234, plus strand): 5'-TGCAAGAGGCTCTCTTAGCTAGAAAGCAACCACTGGGCGGGTACCTGAGCCGAGATGAAT[C>A]CCTCATACACGGTTTTCGACCGGTTCTGGGGCAGAAGCAGGGGGCACTGGCGCAACAGGC-3'
Protein context (NP_060532.2, residues 17-37): PQNRSKTVYE[Gly27Val]FISAQGRDFH